The following is an entry in ClinVar:

NM_206933.4(USH2A):c.3449G>A (p.Gly1150Glu)

Genes: USH2A (usherin; minus strand), USH2A-AS1 (USH2A antisense RNA 1; plus strand). Cytogenetic location: 1q41.
Variant type: single nucleotide variant.
Coding change: c.3449G>A on transcript NM_206933.4 (MANE Select); coding-DNA position 3449, G replaced by A.
Protein change: p.Gly1150Glu; replaces glycine 1150 with glutamic acid.
Molecular consequence: missense variant.
Genome position (GRCh38, 1-based): chr1:216,199,989, C>T on the plus strand (G>A on the coding strand, the complement: USH2A is on the minus strand). VCF-style: chr1-216199989-C-T. GRCh37 (hg19) VCF-style: chr1-216373331-C-T.
Other names: c.3449G>A, p.Gly1150Glu (NM_007123.6); short protein forms G1150E.
Identifiers: ClinVar variation 4976548 (VCV004976548.1).

ClinVar aggregate classification (germline): Uncertain significance (1 of 4 stars; one submission).

gnomAD v4.1: 6 of 1,614,102 alleles (0.00037%); highest among the groups gnomAD compares: Non-Finnish European, 0.00051%; no homozygotes.

Submission:

GeneDx
Classification: Uncertain significance. Last evaluated: 2026-02-17. Review status: criteria provided, single submitter. Criteria: GeneDx Variant Classification Process June 2021. Collection method: clinical testing. Allele origin: germline.
Comment: Not observed at significant frequency in large population cohorts (gnomAD); In silico analysis supports that this missense variant has a deleterious effect on protein structure/function; Has not been previously published as pathogenic or benign to our knowledge